The following is an entry in ClinVar:

NM_025114.4(CEP290):c.1568G>A (p.Ser523Asn)

Gene: CEP290 (centrosomal protein 290; minus strand). Cytogenetic location: 12q21.32.
Variant type: single nucleotide variant.
Coding change: c.1568G>A on transcript NM_025114.4 (MANE Select); coding-DNA position 1568, G replaced by A.
Protein change: p.Ser523Asn; replaces serine 523 with asparagine.
Molecular consequence: missense variant.
Genome position (GRCh38, 1-based): chr12:88,118,698, C>T on the plus strand (G>A on the coding strand, the complement: CEP290 is on the minus strand). VCF-style: chr12-88118698-C-T. GRCh37 (hg19) VCF-style: chr12-88512475-C-T.
Other names: short protein forms S523N.
Identifiers: ClinVar variation 4064346 (VCV004064346.2).

ClinVar aggregate classification (germline): Uncertain significance. Review status: criteria provided, single submitter (1 of 4 stars). 2 submissions from 2 submitters: Uncertain significance (1). 1 of the submissions does not count toward it. Last evaluated 2026-09-16.

Conditions:
Leber congenital amaurosis (LCA). Also called: Leber's amaurosis. Identifiers: Orphanet 65, MedGen C0339527, MeSH D057130, MONDO:0018998.
CEP290-related disorder. Also called: CEP290-related condition; CEP290-related disorders. Identifiers: MedGen CN239314.

gnomAD v4.1: 1 of 1,613,038 alleles (0.000062%); highest among the groups gnomAD compares: African/African-American, 0.0013%; no homozygotes.

Submissions (2):

PreventionGenetics, part of Exact Sciences
Classification: Uncertain significance for CEP290-related condition. Last evaluated: 2026-09-16. Review status: criteria provided, single submitter. Criteria: ACMG Guidelines, 2015. Collection method: clinical testing. Allele origin: germline.
Comment: The CEP290 c.1568G>A variant is predicted to result in the amino acid substitution p.Ser523Asn. To our knowledge, this variant has not been reported in the literature or in a large population database (gnomAD), indicating this variant is rare. At this time, the clinical significance of this variant is uncertain due to the absence of conclusive functional and genetic evidence.

Natera, Inc.
Classification: Uncertain significance for Leber congenital amaurosis. Last evaluated: 2025-01-21. Review status: no assertion criteria provided. Collection method: clinical testing. Allele origin: germline. Not counted in ClinVar's aggregate classification.